The following is an entry in ClinVar:

NM_000455.5(STK11):c.526G>C (p.Asp176His)

Gene: STK11 (serine/threonine kinase 11; plus strand). Cytogenetic location: 19p13.3.
Variant type: single nucleotide variant.
Coding change: c.526G>C on transcript NM_000455.5 (MANE Select); coding-DNA position 526, G replaced by C.
Protein change: p.Asp176His; replaces aspartic acid 176 with histidine.
Molecular consequence: missense variant. On other transcripts: non-coding transcript variant (1).
Genome position (GRCh38, 1-based): chr19:1,220,434, G>C. VCF-style: chr19-1220434-G-C. GRCh37 (hg19) VCF-style: chr19-1220433-G-C.
Other names: c.526G>C, p.Asp176His (NM_001407255.1); short protein forms D176H.
Identifiers: ClinVar variation 3963258 (VCV003963258.1).

ClinVar aggregate classification (germline): Likely pathogenic (1 of 4 stars; one submission).

Conditions:
Hereditary cancer-predisposing syndrome. Also called: Tumor predisposition; Hereditary neoplastic syndrome; Hereditary Cancer Syndrome; Neoplastic Syndromes, Hereditary. Identifiers: Orphanet 140162, MedGen C0027672, MeSH D009386, MONDO:0015356.

Submission:

Ambry Genetics
Classification: Likely pathogenic for Hereditary cancer-predisposing syndrome. Last evaluated: 2025-04-14. Review status: criteria provided, single submitter. Criteria: Ambry Variant Classification Scheme 2023. Collection method: clinical testing. Allele origin: germline.
Comment: The p.D176H variant (also known as c.526G>C), located in coding exon 4 of the STK11 gene, results from a G to C substitution at nucleotide position 526. The aspartic acid at codon 176 is replaced by histidine, an amino acid with similar properties. This variant was reported in individual(s) with features consistent with Peutz-Jeghers syndrome (Salloch H et al. Int J Colorectal Dis, 2010 Jan;25:97-107). Other variant(s) at the same codon, p.D176N (c.526G>A), have been identified in individual(s) with features consistent with Peutz-Jeghers syndrom (de Leng WW et al. Clin. Genet., 2007 Dec;72:568-73; Yang HR et al. Dig. Dis. Sci., 2010 Dec;55:3458-65; Wang Z et al. Hum. Mutat., 2014 Jul;35:851-8; Dai L et al. Dig. Dis. Sci., 2014 Aug;59:1856-61; Chiang JM et al. Asian J Surg, 2018 Sep;41:480-485). This variant is considered to be rare based on population cohorts in the Genome Aggregation Database (gnomAD). This amino acid position is highly conserved in available vertebrate species. In addition, this alteration is predicted to be deleterious by in silico analysis. Based on the majority of available evidence to date, this variant is likely to be pathogenic.

Literature cited by the submitters: PubMed 19727776.